The following is an entry in ClinVar:

ClinVar aggregate classification (germline): Pathogenic (1 of 4 stars; one submission).

Conditions:
Microcephalic primordial dwarfism due to ZNF335 deficiency. Also called: Primary autosomal recessive microcephaly 10. Identifiers: Orphanet 329228, MedGen C3554499, MONDO:0014043, OMIM 615095.

Submission:

Imagene.me medical diagnostic laboratory, IMAGENE.ME SA
Classification: Pathogenic for Microcephalic primordial dwarfism due to ZNF335 deficiency. Review status: criteria provided, single submitter. Criteria: IMAGENE.ME Variant Classification SOP 2022. Collection method: clinical testing. Allele origin: germline. Affected: yes.
Comment: Classified according to the IMAGENE.ME variant classification SOP based on the ACMG guidelines as Pathogenic (P): PVS1 + PM2 + PP4

NM_022095.4(ZNF335):c.3576_3577del (p.Gln1192fs)

Gene: ZNF335 (zinc finger protein 335; minus strand). Cytogenetic location: 20q13.12.
Variant type: Deletion.
Coding change: c.3576_3577del on transcript NM_022095.4 (MANE Select); coding-DNA positions 3576 to 3577, 2 bases deleted (GA; older notation c.3576_3577delGA).
Protein change: p.Gln1192fs; shifts the reading frame from glutamine 1192.
Molecular consequence: frameshift variant.
Genome position (GRCh38, 1-based): chr20:45,949,980-45,949,981, TC deleted on the plus strand (GA on the coding strand, the reverse complement: ZNF335 is on the minus strand); deleting any 2 consecutive bases within chr20:45,949,980-45,949,982 gives the same sequence; the c. name uses the placement nearest the transcript's 3' end. VCF-style (leftmost placement, unchanged base first): chr20-45949979-GTC-G. GRCh37 (hg19) VCF-style: chr20-44578618-GTC-G.
Other names: short protein forms Q1192fs.
Identifiers: ClinVar variation 4685505 (VCV004685505.1).